The following is an entry in ClinVar:

ClinVar aggregate classification (germline): Uncertain significance (1 of 4 stars; one submission).

Conditions:
Chuvash polycythemia. Also called: POLYCYTHEMIA, VHL-DEPENDENT. Identifiers: Orphanet 238557, MedGen C1837915, MONDO:0009892, OMIM 263400.
Von Hippel-Lindau syndrome (VHLS). Also called: von Hippel–Lindau syndrome; VHL syndrome; Von Hippel-Lindau. Identifiers: Orphanet 892, MedGen C0019562, MONDO:0008667, OMIM 193300. Disease mechanism: loss of function.

Submission:

Labcorp Genetics (formerly Invitae), Labcorp
Classification: Uncertain significance for Von Hippel-Lindau syndrome; Chuvash polycythemia. Last evaluated: 2025-07-30. Review status: criteria provided, single submitter. Criteria: Invitae Variant Classification Sherloc (09022015). Collection method: clinical testing. Allele origin: germline.
Comment: This sequence change falls in intron 1 of the VHL gene. It is not expected to change the encoded amino acid sequence of the VHL protein. However, this sequence change falls within a cryptic exon in the VHL gene, known as exon E1’, which is naturally expressed at low levels in several human tissues (PMID: 29891534). This variant is not present in population databases (gnomAD no frequency). This variant has not been reported in the literature in individuals affected with VHL-related conditions. Algorithms developed to predict the effect of sequence changes on RNA splicing suggest that this variant is not likely to affect RNA splicing. In summary, the available evidence is currently insufficient to determine the role of this variant in disease. Therefore, it has been classified as a Variant of Uncertain Significance.

Literature cited by the submitters: PubMed 29891534.

NM_000551.4(VHL):c.340+803_340+807del

Genes: VHL (von Hippel-Lindau tumor suppressor; plus strand), LOC107303340 (3p25 von Hippel-Lindau tumor suppressor, E3 ubiquitin protein ligase Alu-mediated recombination region; plus strand). Cytogenetic location: 3p25.3.
Variant type: Deletion.
Coding change: c.340+803_340+807del on transcript NM_000551.4 (MANE Select); bases 803 to 807 of the intron after coding-DNA position 340, 5 bases deleted (AGCAG; older notation c.340+803_340+807delAGCAG).
Molecular consequence: intron variant. On other transcripts: frameshift variant (1), non-coding transcript variant (1).
Genome position (GRCh38, 1-based): chr3:10,142,990-10,142,994, AGCAG deleted; deleting any 5 consecutive bases within chr3:10,142,988-10,142,994 gives the same sequence; the c. name uses the placement nearest the transcript's 3' end. VCF-style (leftmost placement, unchanged base first): chr3-10142987-GAGAGC-G. GRCh37 (hg19) VCF-style: chr3-10184671-GAGAGC-G.
Other names: c.568_572del, p.Ser190fs (NM_001354723.2); c.340+803_340+807del (NM_198156.3); short protein forms S190fs.
Identifiers: ClinVar variation 4785732 (VCV004785732.1).